The following is an entry in ClinVar:

NM_000088.4(COL1A1):c.467G>A (p.Gly156Glu)

Gene: COL1A1 (collagen type I alpha 1 chain; minus strand). Cytogenetic location: 17q21.33.
Variant type: single nucleotide variant.
Coding change: c.467G>A on transcript NM_000088.4 (MANE Select); coding-DNA position 467, G replaced by A.
Protein change: p.Gly156Glu; replaces glycine 156 with glutamic acid.
Molecular consequence: missense variant.
Genome position (GRCh38, 1-based): chr17:50,199,230, C>T on the plus strand (G>A on the coding strand, the complement: COL1A1 is on the minus strand). VCF-style: chr17-50199230-C-T. GRCh37 (hg19) VCF-style: chr17-48276591-C-T.
Other names: short protein forms G156E.
Identifiers: ClinVar variation 3368336 (VCV003368336.1).

ClinVar aggregate classification (germline): Uncertain significance (1 of 4 stars; one submission).

Submission:

GeneDx
Classification: Uncertain significance. Last evaluated: 2024-01-29. Review status: criteria provided, single submitter. Criteria: GeneDx Variant Classification Process June 2021. Collection method: clinical testing. Allele origin: germline. Affected: yes.
Comment: Not observed at significant frequency in large population cohorts (gnomAD); In silico analysis supports that this missense variant has a deleterious effect on protein structure/function; Not located in the triple helical region, where the majority of pathogenic missense variants occur (HGMD); Has not been previously published as pathogenic or benign to our knowledge